The following is an entry in ClinVar:

ClinVar aggregate classification (germline): Pathogenic (1 of 4 stars; one submission).

Conditions:
Curry-Hall syndrome (WAD). Also called: WEYERS ACRODENTAL DYSOSTOSIS. Identifiers: Orphanet 952, MedGen C0457013, MONDO:0008673, OMIM 193530.
Ellis-van Creveld syndrome (EVC). Also called: EVC-Related Ellis-van Creveld Syndrome; EVC2-Related Ellis-van Creveld Syndrome; MESOECTODERMAL DYSPLASIA; Chondroectodermal dysplasia. Identifiers: Orphanet 289, MedGen C0013903, MONDO:0009162, OMIM 225500.

Allele frequency attached by ClinVar (database versions not stated): gnomAD 0.00001; TOPMed 0.00001.
gnomAD v4.1: 1 of 1,612,866 alleles (0.000062%); highest among the groups gnomAD compares: Non-Finnish European, 0.000085%; no homozygotes.

Submission:

Labcorp Genetics (formerly Invitae), Labcorp
Classification: Pathogenic for Curry-Hall syndrome; Ellis-van Creveld syndrome. Last evaluated: 2023-06-09. Review status: criteria provided, single submitter. Criteria: Invitae Variant Classification Sherloc (09022015). Collection method: clinical testing. Allele origin: germline.
Comment: This sequence change creates a premature translational stop signal (p.Glu900*) in the EVC2 gene. It is expected to result in an absent or disrupted protein product. Loss-of-function variants in EVC2 are known to be pathogenic (PMID: 17024374, 19810119, 19876929). This variant is not present in population databases (gnomAD no frequency). For these reasons, this variant has been classified as Pathogenic. This premature translational stop signal has been observed in individual(s) with autosomal recessive Ellis-van Creveld syndrome (PMID: 19251731).

Literature cited by the submitters: PubMed 17024374; PubMed 19810119; PubMed 19876929; PubMed 19251731.

NM_147127.5(EVC2):c.2698G>T (p.Glu900Ter)

Gene: EVC2 (EvC ciliary complex subunit 2; minus strand). Cytogenetic location: 4p16.2.
Variant type: single nucleotide variant.
Coding change: c.2698G>T on transcript NM_147127.5 (MANE Select); coding-DNA position 2698, G replaced by T.
Protein change: p.Glu900Ter; replaces glutamic acid 900 with a stop codon.
Molecular consequence: nonsense.
Genome position (GRCh38, 1-based): chr4:5,618,486, C>A on the plus strand (G>T on the coding strand, the complement: EVC2 is on the minus strand). VCF-style: chr4-5618486-C-A. GRCh37 (hg19) VCF-style: chr4-5620213-C-A.
Other names: c.2458G>T, p.Glu820Ter (NM_001166136.2); short protein forms E820*, E900*.
Identifiers: ClinVar variation 2925374 (VCV002925374.3), dbSNP rs1715435004, ClinGen allele CA356142883.